The following is an entry in ClinVar:

NM_004064.5(CDKN1B):c.388T>A (p.Leu130Met)

Gene: CDKN1B (cyclin dependent kinase inhibitor 1B; plus strand). Cytogenetic location: 12p13.1.
Variant type: single nucleotide variant.
Coding change: c.388T>A on transcript NM_004064.5 (MANE Select); coding-DNA position 388, T replaced by A.
Protein change: p.Leu130Met; replaces leucine 130 with methionine.
Molecular consequence: missense variant.
Genome position (GRCh38, 1-based): chr12:12,718,227, T>A. VCF-style: chr12-12718227-T-A. GRCh37 (hg19) VCF-style: chr12-12871161-T-A.
Other names: c.388T>A (NM_004064.3); short protein forms L130M.
Identifiers: ClinVar variation 1513905 (VCV001513905.7), dbSNP rs2136356381, ClinGen allele CA383970561.

ClinVar aggregate classification (germline): Uncertain significance. Review status: criteria provided, multiple submitters, no conflicts (2 of 4 stars). 2 submissions from 2 submitters: Uncertain significance (2). Last evaluated 2024-03-19.

Conditions:
Multiple endocrine neoplasia type 4. Also called: MULTIPLE ENDOCRINE NEOPLASIA, TYPE IV. Identifiers: Orphanet 276152, MedGen C1970712, MONDO:0012552, OMIM 610755.
Hereditary cancer-predisposing syndrome. Also called: Neoplastic Syndromes, Hereditary; Hereditary Cancer Syndrome; Tumor predisposition; Hereditary neoplastic syndrome. Identifiers: Orphanet 140162, MedGen C0027672, MeSH D009386, MONDO:0015356.

Submissions (2):

Labcorp Genetics (formerly Invitae), Labcorp
Classification: Uncertain significance for Multiple endocrine neoplasia type 4. Last evaluated: 2024-03-19. Review status: criteria provided, single submitter. Criteria: Invitae Variant Classification Sherloc (09022015). Collection method: clinical testing. Allele origin: germline.
Comment: This sequence change replaces leucine, which is neutral and non-polar, with methionine, which is neutral and non-polar, at codon 130 of the CDKN1B protein (p.Leu130Met). This variant is not present in population databases (gnomAD no frequency). This variant has not been reported in the literature in individuals affected with CDKN1B-related conditions. ClinVar contains an entry for this variant (Variation ID: 1513905). An algorithm developed to predict the effect of missense changes on protein structure and function (PolyPhen-2) suggests that this variant is likely to be disruptive. In summary, the available evidence is currently insufficient to determine the role of this variant in disease. Therefore, it has been classified as a Variant of Uncertain Significance.

Ambry Genetics
Classification: Uncertain significance for Hereditary cancer-predisposing syndrome. Last evaluated: 2024-02-03. Review status: criteria provided, single submitter. Criteria: Ambry Variant Classification Scheme 2023. Collection method: clinical testing. Allele origin: germline.
Comment: The p.L130M variant (also known as c.388T>A), located in coding exon 1 of the CDKN1B gene, results from a T to A substitution at nucleotide position 388. The leucine at codon 130 is replaced by methionine, an amino acid with highly similar properties. This amino acid position is conserved. In addition, this alteration is predicted to be tolerated by in silico analysis. Based on the available evidence, the clinical significance of this alteration remains unclear.